The following is an entry in ClinVar:

ClinVar aggregate classification (germline): Pathogenic (1 of 4 stars; one submission).

Conditions:
Brachyolmia-amelogenesis imperfecta syndrome. Also called: Tooth agenesis, selective, 6; Dental anomalies and short stature; PLATYSPONDYLY WITH AMELOGENESIS IMPERFECTA. Identifiers: Orphanet 2899, MedGen C1832594, MONDO:0011018, OMIM 601216. Disease mechanism: loss of function.

Submission:

Labcorp Genetics (formerly Invitae), Labcorp
Classification: Pathogenic for Brachyolmia-amelogenesis imperfecta syndrome. Last evaluated: 2025-02-25. Review status: criteria provided, single submitter. Criteria: Invitae Variant Classification Sherloc (09022015). Collection method: clinical testing. Allele origin: germline.
Comment: This sequence change creates a premature translational stop signal (p.Tyr848Leufs*22) in the LTBP3 gene. It is expected to result in an absent or disrupted protein product. Loss-of-function variants in LTBP3 are known to be pathogenic (PMID: 11790802, 19344874, 25669657). This variant is not present in population databases (gnomAD no frequency). This variant has not been reported in the literature in individuals affected with LTBP3-related conditions. ClinVar contains an entry for this variant (Variation ID: 1445505). For these reasons, this variant has been classified as Pathogenic.

Literature cited by the submitters: PubMed 11790802; PubMed 19344874; PubMed 25669657.

NM_001130144.3(LTBP3):c.2542dup (p.Tyr848fs)

Gene: LTBP3 (latent transforming growth factor beta binding protein 3; minus strand). Cytogenetic location: 11q13.1.
Variant type: Duplication.
Coding change: c.2542dup on transcript NM_001130144.3 (MANE Select); coding-DNA position 2542, one base duplicated (T; older notation c.2542dupT).
Protein change: p.Tyr848fs; shifts the reading frame from tyrosine 848.
Molecular consequence: frameshift variant.
Genome position (GRCh38, 1-based): chr11:65,543,159, A duplicated on the plus strand (T on the coding strand, the reverse complement: LTBP3 is on the minus strand). VCF-style (leftmost placement, unchanged base first): chr11-65543158-T-TA. GRCh37 (hg19) VCF-style: chr11-65310629-T-TA.
Other names: c.2191dup, p.Tyr731fs (NM_001164266.1); c.2542dup, p.Tyr848fs (NM_021070.4); short protein forms Y731fs, Y848fs.
Identifiers: ClinVar variation 1445505 (VCV001445505.6), dbSNP rs2135130818, ClinGen allele CA2573147479.
Genomic context (GRCh38, chr11:65,543,158, plus strand): 5'-CCCATACCTTGGCATTTCCTGCCACCCACCAGCCGATGCCCCTGGGGGCAAAGACATCTG[T>TA]AGGAGCCATTGGTATTGATGCAGTCACCCCCAATGCAGGCTGCAGGGAAGTCACACTCAT-3'